The following is an entry in ClinVar:

NM_177972.3(TUB):c.614A>G (p.Glu205Gly)

Genes: RIC3 (RIC3 acetylcholine receptor chaperone; minus strand), TUB (TUB bipartite transcription factor; plus strand). Cytogenetic location: 11p15.4.
Variant type: single nucleotide variant.
Coding change: c.614A>G on transcript NM_177972.3 (MANE Select); coding-DNA position 614, A replaced by G.
Protein change: p.Glu205Gly; replaces glutamic acid 205 with glycine.
Molecular consequence: missense variant.
Genome position (GRCh38, 1-based): chr11:8,096,733, A>G. VCF-style: chr11-8096733-A-G. GRCh37 (hg19) VCF-style: chr11-8118280-A-G.
Other names: c.779A>G, p.Glu260Gly (NM_003320.5); c.779A>G (NM_003320.4); short protein forms E205G, E260G.
Identifiers: ClinVar variation 1558531 (VCV001558531.11), dbSNP rs573629131, ClinGen allele CA5871169.

ClinVar aggregate classification (germline): Likely benign. Review status: criteria provided, multiple submitters, no conflicts (2 of 4 stars). 3 submissions from 3 submitters: Likely benign (2). 1 of the submissions does not count toward it. Last evaluated 2025-12-17.

Conditions:
TUB-related disorder. Also called: TUB-related condition.

Allele frequency attached by ClinVar (database versions not stated): TOPMed 0.00002; gnomAD 0.00006; gnomAD exomes 0.00013 and 0.00025; ExAC 0.00029; 1000 Genomes Project 30x 0.00031; 1000 Genomes Project 0.00040.
gnomAD v4.1: 195 of 1,614,036 alleles (0.012%); highest among the groups gnomAD compares: South Asian, 0.21%; 1 homozygote.

Submissions (3):

Labcorp Genetics (formerly Invitae), Labcorp
Classification: Likely benign. Last evaluated: 2025-12-17. Review status: criteria provided, single submitter. Criteria: Invitae Variant Classification Sherloc (09022015). Collection method: clinical testing. Allele origin: germline.

Blueprint Genetics
Classification: Likely benign. Last evaluated: 2022-09-15. Review status: criteria provided, single submitter. Criteria: ACMG Guidelines, 2015. Collection method: clinical testing. Allele origin: germline.

PreventionGenetics, part of Exact Sciences
Classification: Likely benign for TUB-related condition. Last evaluated: 2023-03-07. Review status: no assertion criteria provided. Collection method: clinical testing. Allele origin: germline. Not counted in ClinVar's aggregate classification.
Comment: This variant is classified as likely benign based on ACMG/AMP sequence variant interpretation guidelines (Richards et al. 2015 PMID: 25741868, with internal and published modifications).